The following is an entry in ClinVar:

ClinVar aggregate classification (germline): Uncertain significance (1 of 4 stars; one submission).

Allele frequency attached by ClinVar (database versions not stated): ExAC 0.00004; gnomAD 0.00012; ESP Exome Variant Server 0.00015; TOPMed 0.00017.
gnomAD v4.1: 54 of 1,613,878 alleles (0.0033%); highest among the groups gnomAD compares: African/African-American, 0.067%; no homozygotes.

Submission:

Labcorp Genetics (formerly Invitae), Labcorp
Classification: Uncertain significance. Last evaluated: 2024-09-25. Review status: criteria provided, single submitter. Criteria: Invitae Variant Classification Sherloc (09022015). Collection method: clinical testing. Allele origin: germline.
Comment: This sequence change replaces serine, which is neutral and polar, with threonine, which is neutral and polar, at codon 803 of the ADGRE2 protein (p.Ser803Thr). This variant is present in population databases (rs374876815, gnomAD 0.07%), and has an allele count higher than expected for a pathogenic variant. This variant has not been reported in the literature in individuals affected with ADGRE2-related conditions. An algorithm developed to predict the effect of missense changes on protein structure and function (PolyPhen-2) suggests that this variant is likely to be disruptive. In summary, the available evidence is currently insufficient to determine the role of this variant in disease. Therefore, it has been classified as a Variant of Uncertain Significance.

NM_013447.4(ADGRE2):c.2407T>A (p.Ser803Thr)

Gene: ADGRE2 (adhesion G protein-coupled receptor E2; minus strand). Cytogenetic location: 19p13.12.
Variant type: single nucleotide variant.
Coding change: c.2407T>A on transcript NM_013447.4 (MANE Select); coding-DNA position 2407, T replaced by A.
Protein change: p.Ser803Thr; replaces serine 803 with threonine.
Molecular consequence: missense variant.
Genome position (GRCh38, 1-based): chr19:14,743,476, A>T on the plus strand (T>A on the coding strand, the complement: ADGRE2 is on the minus strand). VCF-style: chr19-14743476-A-T. GRCh37 (hg19) VCF-style: chr19-14854288-A-T.
Other names: c.2233T>A, p.Ser745Thr (NM_001271052.1); c.2260T>A, p.Ser754Thr (NM_152916.2); c.2128T>A, p.Ser710Thr (NM_152917.2); short protein forms S754T, S803T, S710T, S745T.
Identifiers: ClinVar variation 2723526 (VCV002723526.3), dbSNP rs374876815, ClinGen allele CA9257386.